The following is an entry in ClinVar:

ClinVar aggregate classification (germline): Uncertain significance (1 of 4 stars; one submission).

Conditions:
EP300-related disorder. Also called: EP300-related condition; EP300-related disorders.

gnomAD v4.1: 38 of 1,614,172 alleles (0.0024%); highest among the groups gnomAD compares: Admixed American, 0.022%; no homozygotes.

Submission:

PreventionGenetics, part of Exact Sciences
Classification: Uncertain significance for EP300-related condition. Last evaluated: 2025-03-27. Review status: criteria provided, single submitter. Criteria: ACMG Guidelines, 2015. Collection method: clinical testing. Allele origin: germline.
Comment: The EP300 c.1988G>T variant is predicted to result in the amino acid substitution p.Gly663Val. To our knowledge, this variant has not been reported in the literature. This variant is reported in 0.012% of alleles in individuals of Latino descent in gnomAD. Although we suspect that this variant may be benign, at this time, the clinical significance of this variant is uncertain due to the absence of conclusive functional and genetic evidence.

NM_001429.4(EP300):c.1988G>T (p.Gly663Val)

Gene: EP300 (EP300 lysine acetyltransferase; plus strand). Cytogenetic location: 22q13.2.
Variant type: single nucleotide variant.
Coding change: c.1988G>T on transcript NM_001429.4 (MANE Select); coding-DNA position 1988, G replaced by T.
Protein change: p.Gly663Val; replaces glycine 663 with valine.
Molecular consequence: missense variant.
Genome position (GRCh38, 1-based): chr22:41,141,157, G>T. VCF-style: chr22-41141157-G-T. GRCh37 (hg19) VCF-style: chr22-41537161-G-T.
Other names: c.1988G>T, p.Gly663Val (NM_001362843.2); short protein forms G663V.
Identifiers: ClinVar variation 4979865 (VCV004979865.1).